The following is an entry in ClinVar:

ClinVar aggregate classification (germline): Uncertain significance (1 of 4 stars; one submission).

Allele frequency attached by ClinVar (database versions not stated): gnomAD exomes below 0.00001 and 0.00001; ExAC 0.00002; TOPMed 0.00002; gnomAD 0.00003 and 0.00004.
gnomAD v4.1: 20 of 1,613,192 alleles (0.0012%); highest among the groups gnomAD compares: Middle Eastern, 0.033%; no homozygotes.

Submission:

Labcorp Genetics (formerly Invitae), Labcorp
Classification: Uncertain significance. Last evaluated: 2025-03-18. Review status: criteria provided, single submitter. Criteria: Invitae Variant Classification Sherloc (09022015). Collection method: clinical testing. Allele origin: germline.
Comment: This sequence change replaces arginine, which is basic and polar, with glycine, which is neutral and non-polar, at codon 688 of the STAT4 protein (p.Arg688Gly). This variant is present in population databases (rs761155615, gnomAD 0.005%). This variant has not been reported in the literature in individuals affected with STAT4-related conditions. ClinVar contains an entry for this variant (Variation ID: 1496582). An algorithm developed to predict the effect of missense changes on protein structure and function (PolyPhen-2) suggests that this variant is likely to be tolerated. In summary, the available evidence is currently insufficient to determine the role of this variant in disease. Therefore, it has been classified as a Variant of Uncertain Significance.

NM_003151.4(STAT4):c.2062A>G (p.Arg688Gly)

Genes: STAT4 (signal transducer and activator of transcription 4; minus strand), STAT4-AS1 (STAT4 antisense RNA 1; plus strand). Cytogenetic location: 2q32.2.
Variant type: single nucleotide variant.
Coding change: c.2062A>G on transcript NM_003151.4 (MANE Select); coding-DNA position 2062, A replaced by G.
Protein change: p.Arg688Gly; replaces arginine 688 with glycine.
Molecular consequence: missense variant.
Genome position (GRCh38, 1-based): chr2:191,031,499, T>C on the plus strand (A>G on the coding strand, the complement: STAT4 is on the minus strand). VCF-style: chr2-191031499-T-C. GRCh37 (hg19) VCF-style: chr2-191896225-T-C.
Other names: c.2062A>G, p.Arg688Gly (NM_001243835.2); short protein forms R688G.
Identifiers: ClinVar variation 1496582 (VCV001496582.6), dbSNP rs761155615, ClinGen allele CA2030417.